The following is an entry in ClinVar:

ClinVar aggregate classification (germline): Pathogenic (1 of 4 stars; one submission).

Conditions:
Mucopolysaccharidosis, MPS-II (MPS2). Also called: Hunter Syndrome; IDURONATE 2-SULFATASE DEFICIENCY; Mucopolysaccharidosis Type II; Mucopolysaccharidosis type 2; Attenuated MPS (subtype; formerly known as mild MPS II); Severe MPS II. Identifiers: Orphanet 580, Orphanet 79388, MedGen C0026705, MONDO:0010674, OMIM 309900.

Submission:

Laboratory of Diagnosis and Therapy of Lysosomal Disorders, University of Padova
Classification: Pathogenic for Mucopolysaccharidosis, MPS-II. Last evaluated: 2024-06-07. Review status: criteria provided, single submitter. Criteria: ACMG Guidelines, 2015. Collection method: literature only. Allele origin: germline. Affected: yes. Observed: 1 variant allele.
Comment: Null variant (PVS1_VeryStrong), Absent from controls (or at low frequency) in gnomAD database (PM2_Moderate), Patient’s phenotype or family history highly specific for the disease (PP4_Strong)

Classification method: ACMG Guidelines [PMID:25741868] with modifications

Literature cited by the submitters: PubMed 22976768.

NM_000202.8(IDS):c.753dup (p.Asp252fs)

Genes: IDS (iduronate 2-sulfatase; minus strand), LOC106050102 (IDS recombination region; plus strand). Cytogenetic location: Xq28.
Variant type: Duplication.
Coding change: c.753dup on transcript NM_000202.8 (MANE Select); coding-DNA position 753, one base duplicated (C; older notation c.753dupC).
Protein change: p.Asp252fs; shifts the reading frame from aspartic acid 252.
Molecular consequence: frameshift variant. On other transcripts: non-coding transcript variant (1).
Genome position (GRCh38, 1-based): chrX:149,496,472, G duplicated on the plus strand (C on the coding strand, the reverse complement: IDS is on the minus strand); the first of 5 consecutive G bases (chrX:149,496,472-149,496,476); duplicating any one gives the same sequence. VCF-style (leftmost placement, unchanged base first): chrX-149496471-C-CG. GRCh37 (hg19) VCF-style: chrX-148578002-C-CG.
Other names: c.483dup, p.Asp162fs (NM_001166550.4); c.753dup, p.Asp252fs (NM_006123.5); short protein forms D162fs, D252fs.
Identifiers: ClinVar variation 3255829 (VCV003255829.2).
Genomic context (GRCh38, chrX:149,496,471, plus strand): 5'-GCCTGATGTCCATCCAGGGGTTGTAGGCCACAGGGGGTAGGCCATCAGGGACCTCGGGAT[C>CG]GGGGGCCAGGGTGATGTTCTCCAAGGGATACAACTTCTGAAATTCCTTGGGGAAAAACAC-3'